The following is an entry in ClinVar:

ClinVar aggregate classification (germline): Uncertain significance. Review status: criteria provided, multiple submitters, no conflicts (2 of 4 stars). 2 submissions from 2 submitters: Uncertain significance (2). Last evaluated 2025-08-19.

Conditions:
Specific language impairment 5 (SLI5). Identifiers: MedGen C3809483, MONDO:0014184, OMIM 615432.

Allele frequency attached by ClinVar (database versions not stated): ExAC 0.00001; gnomAD exomes 0.00001; gnomAD 0.00002; TOPMed 0.00002.

Submissions (2):

Labcorp Genetics (formerly Invitae), Labcorp
Classification: Uncertain significance. Last evaluated: 2025-08-19. Review status: criteria provided, single submitter. Criteria: Invitae Variant Classification Sherloc (09022015). Collection method: clinical testing. Allele origin: germline.
Comment: This sequence change creates a premature translational stop signal (p.Trp170*) in the TM4SF20 gene. While this is not anticipated to result in nonsense mediated decay, it is expected to disrupt the last 60 amino acid(s) of the TM4SF20 protein. This variant is present in population databases (rs774704649, gnomAD 0.003%). This variant has not been reported in the literature in individuals affected with TM4SF20-related conditions. ClinVar contains an entry for this variant (Variation ID: 2665075). Experimental studies and prediction algorithms are not available or were not evaluated, and the functional significance of this variant is currently unknown. In summary, the available evidence is currently insufficient to determine the role of this variant in disease. Therefore, it has been classified as a Variant of Uncertain Significance.

New York Genome Center
Classification: Uncertain significance for Specific language impairment 5. Last evaluated: 2023-05-10. Review status: criteria provided, single submitter. Criteria: NYGC Assertion Criteria 2020. Collection method: clinical testing. Allele origin: inherited. Observed: 1 heterozygote.

NM_024795.4(TM4SF20):c.510G>A (p.Trp170Ter)

Gene: TM4SF20 (transmembrane 4 L six family member 20; minus strand). Cytogenetic location: 2q36.3.
Variant type: single nucleotide variant.
Coding change: c.510G>A on transcript NM_024795.4 (MANE Select); coding-DNA position 510, G replaced by A.
Protein change: p.Trp170Ter; replaces tryptophan 170 with a stop codon.
Molecular consequence: nonsense.
Genome position (GRCh38, 1-based): chr2:227,363,904, C>T on the plus strand (G>A on the coding strand, the complement: TM4SF20 is on the minus strand). VCF-style: chr2-227363904-C-T. GRCh37 (hg19) VCF-style: chr2-228228620-C-T.
Other names: short protein forms W170*.
Identifiers: ClinVar variation 2665075 (VCV002665075.2), dbSNP rs774704649, ClinGen allele CA2148172.